The following is an entry in ClinVar:

NM_001370259.2(MEN1):c.1186-20C>T

Gene: MEN1 (menin 1; minus strand). Cytogenetic location: 11q13.1.
Variant type: single nucleotide variant.
Coding change: c.1186-20C>T on transcript NM_001370259.2 (MANE Select); 20 bases into the intron before coding-DNA position 1186, C replaced by T.
Molecular consequence: intron variant.
Genome position (GRCh38, 1-based): chr11:64,805,218, G>A on the plus strand (C>T on the coding strand, the complement: MEN1 is on the minus strand). VCF-style: chr11-64805218-G-A. GRCh37 (hg19) VCF-style: chr11-64572690-G-A.
Other names: c.1201-20C>T (NM_130804.3, NM_130803.3, NM_000244.4 and 4 more transcripts); c.1081-20C>T (NM_001407148.1, NM_001407149.1, NM_001370263.2 and 1 more transcripts); c.1186-20C>T (NM_130799.3, NM_001370260.2, NM_001407146.1 and 2 more transcripts); c.1312-20C>T (NM_001407144.1, NM_001370251.2, NM_001407142.1 and 1 more transcripts); c.1207-20C>T (NM_001407151.1); c.1186-402C>T (NM_001407152.1); c.1327-20C>T (NM_001407150.1).
Identifiers: ClinVar variation 3678756 (VCV003678756.3).
Genomic context (GRCh38, chr11:64,805,218, plus strand): 5'-CACTCAGGGTCCTGGAGGGCGGAACCTTGGCTCTGGGTGCCCTGGACGAGGGGGAAGGGA[G>A]GGCACAGATCAGTCTCTTACTCACCCCTTAGCAGAGGGCACAGGCCAGGCCCCCCACCTA-3'

ClinVar aggregate classification (germline): Likely benign. Review status: criteria provided, multiple submitters, no conflicts (2 of 4 stars). 2 submissions from 2 submitters: Likely benign (2). Last evaluated 2025-01-25.

Conditions:
Multiple endocrine neoplasia, type 1 (MEN1). Also called: MEN I; WERMER SYNDROME; Endocrine adenomatosis multiple; MEN 1; MEA I. Identifiers: Orphanet 652, MedGen C0025267, MeSH D018761, MONDO:0007540, OMIM 131100.

gnomAD v4.1: 3 of 1,611,834 alleles (0.00019%); highest among the groups gnomAD compares: East Asian, 0.0022%; no homozygotes.

Submissions (2):

Labcorp Genetics (formerly Invitae), Labcorp
Classification: Likely benign for Multiple endocrine neoplasia, type 1. Last evaluated: 2025-01-25. Review status: criteria provided, single submitter. Criteria: Invitae Variant Classification Sherloc (09022015). Collection method: clinical testing. Allele origin: germline.

Myriad Genetics, Inc.
Classification: Likely benign for Multiple endocrine neoplasia, type 1. Last evaluated: 2024-11-05. Review status: criteria provided, single submitter. Criteria: Myriad Autosomal Dominant, Autosomal Recessive and X-Linked Classification Criteria (2023). Collection method: clinical testing. Allele origin: unknown.
Comment: This variant is considered likely benign. This variant is intronic and is not expected to impact mRNA splicing.